The following is an entry in ClinVar:

NM_023036.6(DNAI2):c.1153G>A (p.Asp385Asn)

Gene: DNAI2 (dynein axonemal intermediate chain 2; plus strand). Cytogenetic location: 17q25.1.
Variant type: single nucleotide variant.
Coding change: c.1153G>A on transcript NM_023036.6 (MANE Select); coding-DNA position 1153, G replaced by A.
Protein change: p.Asp385Asn; replaces aspartic acid 385 with asparagine.
Molecular consequence: missense variant. On other transcripts: non-coding transcript variant (1).
Genome position (GRCh38, 1-based): chr17:74,305,384, G>A. VCF-style: chr17-74305384-G-A. GRCh37 (hg19) VCF-style: chr17-72301523-G-A.
Other names: c.1153G>A, p.Asp385Asn (NM_001172810.3, NM_001353167.2); short protein forms D385N.
Identifiers: ClinVar variation 567344 (VCV000567344.10), dbSNP rs567531807, ClinGen allele CA8745620.

ClinVar aggregate classification (germline): Uncertain significance. Review status: criteria provided, multiple submitters, no conflicts (2 of 4 stars). 5 submissions from 5 submitters: Uncertain significance (4). 1 of the submissions does not count toward it. Last evaluated 2025-12-30.

Conditions:
Primary ciliary dyskinesia 9. Also called: CILIARY DYSKINESIA, PRIMARY, 9, WITH OR WITHOUT SITUS INVERSUS. Identifiers: Orphanet 244, MedGen C2676235, MONDO:0012906, OMIM 612444.
Primary ciliary dyskinesia. Also called: Ciliary dyskinesia. Identifiers: Orphanet 244, MedGen C0008780, MONDO:0016575, HP:0012265.

Allele frequency attached by ClinVar (database versions not stated): ExAC 0.00002; TOPMed 0.00002; 1000 Genomes Project 0.00020; 1000 Genomes Project 30x 0.00031.
gnomAD v4.1: 54 of 1,614,162 alleles (0.0033%); highest among the groups gnomAD compares: Admixed American, 0.055%; no homozygotes.

Submissions (5):

Ambry Genetics
Classification: Uncertain significance for Primary ciliary dyskinesia. Last evaluated: 2025-12-30. Review status: criteria provided, single submitter. Criteria: Ambry Variant Classification Scheme 2023. Collection method: clinical testing. Allele origin: germline.
Comment: The p.D385N variant (also known as c.1153G>A), located in coding exon 8 of the DNAI2 gene, results from a G to A substitution at nucleotide position 1153. The aspartic acid at codon 385 is replaced by asparagine, an amino acid with highly similar properties. This amino acid position is highly conserved in available vertebrate species. In addition, this alteration is predicted to be tolerated by in silico analysis. Based on the available evidence, the clinical significance of this variant remains unclear.

Labcorp Genetics (formerly Invitae), Labcorp
Classification: Uncertain significance for Primary ciliary dyskinesia. Last evaluated: 2022-06-20. Review status: criteria provided, single submitter. Criteria: Invitae Variant Classification Sherloc (09022015). Collection method: clinical testing. Allele origin: germline.
Comment: This sequence change replaces aspartic acid, which is acidic and polar, with asparagine, which is neutral and polar, at codon 385 of the DNAI2 protein (p.Asp385Asn). This variant is present in population databases (rs567531807, gnomAD 0.02%). This variant has not been reported in the literature in individuals affected with DNAI2-related conditions. ClinVar contains an entry for this variant (Variation ID: 567344). Algorithms developed to predict the effect of missense changes on protein structure and function are either unavailable or do not agree on the potential impact of this missense change (SIFT: "Deleterious"; PolyPhen-2: "Probably Damaging"; Align-GVGD: "Class C0"). In summary, the available evidence is currently insufficient to determine the role of this variant in disease. Therefore, it has been classified as a Variant of Uncertain Significance.

GeneDx
Classification: Uncertain significance. Last evaluated: 2019-09-20. Review status: criteria provided, single submitter. Criteria: GeneDx Variant Classification Process June 2021. Collection method: clinical testing. Allele origin: germline. Affected: yes.
Comment: In silico analysis, which includes protein predictors and evolutionary conservation, supports a deleterious effect; Has not been previously published as pathogenic or benign to our knowledge

Fulgent Genetics
Classification: Uncertain significance for Primary ciliary dyskinesia 9. Last evaluated: 2018-10-31. Review status: criteria provided, single submitter. Criteria: ACMG Guidelines, 2015. Collection method: clinical testing. Allele origin: unknown.

Natera, Inc.
Classification: Uncertain significance for Primary ciliary dyskinesia. Last evaluated: 2020-09-16. Review status: no assertion criteria provided. Collection method: clinical testing. Allele origin: germline. Not counted in ClinVar's aggregate classification.